The following is an entry in ClinVar:

ClinVar aggregate classification (germline): Uncertain significance (1 of 4 stars; one submission).

Submission:

GeneDx
Classification: Uncertain significance. Last evaluated: 2025-06-17. Review status: criteria provided, single submitter. Criteria: GeneDx Variant Classification Process June 2021. Collection method: clinical testing. Allele origin: germline. Affected: yes.
Comment: Not observed at significant frequency in large population cohorts (gnomAD); In silico analysis suggests that this missense variant does not alter protein structure/function; Has not been previously published as pathogenic or benign to our knowledge

NM_021076.4(NEFH):c.2927A>G (p.Lys976Arg)

Gene: NEFH (neurofilament heavy chain; plus strand). Cytogenetic location: 22q12.2.
Variant type: single nucleotide variant.
Coding change: c.2927A>G on transcript NM_021076.4 (MANE Select); coding-DNA position 2927, A replaced by G.
Protein change: p.Lys976Arg; replaces lysine 976 with arginine.
Molecular consequence: missense variant.
Genome position (GRCh38, 1-based): chr22:29,490,567, A>G. VCF-style: chr22-29490567-A-G. GRCh37 (hg19) VCF-style: chr22-29886556-A-G.
Other names: short protein forms K976R.
Identifiers: ClinVar variation 4538677 (VCV004538677.1).